The following is an entry in ClinVar:

NM_001710.6(CFB):c.1201_1202del (p.Val401fs)

Gene: CFB (complement factor B; plus strand). Cytogenetic location: 6p21.33.
Variant type: Deletion.
Coding change: c.1201_1202del on transcript NM_001710.6 (MANE Select); coding-DNA positions 1201 to 1202, 2 bases deleted (GT; older notation c.1201_1202delGT).
Protein change: p.Val401fs; shifts the reading frame from valine 401.
Molecular consequence: frameshift variant.
Genome position (GRCh38, 1-based): chr6:31,949,275-31,949,276, GT deleted; deleting any 2 consecutive bases within chr6:31,949,274-31,949,276 gives the same sequence; the c. name uses the placement nearest the transcript's 3' end. VCF-style (leftmost placement, unchanged base first): chr6-31949273-CTG-C. GRCh37 (hg19) VCF-style: chr6-31917050-CTG-C.
Other names: short protein forms V401fs.
Identifiers: ClinVar variation 2699966 (VCV002699966.3), dbSNP rs2482694731, ClinGen allele CA2697546669.

ClinVar aggregate classification (germline): Uncertain significance (1 of 4 stars; one submission).

Submission:

Labcorp Genetics (formerly Invitae), Labcorp
Classification: Uncertain significance. Last evaluated: 2023-12-09. Review status: criteria provided, single submitter. Criteria: Invitae Variant Classification Sherloc (09022015). Collection method: clinical testing. Allele origin: germline.
Comment: This sequence change creates a premature translational stop signal (p.Val401Hisfs*2) in the CFB gene. It is expected to result in an absent or disrupted protein product. However, the current clinical and genetic evidence is not sufficient to establish whether loss-of-function variants in CFB cause disease. This variant is not present in population databases (gnomAD no frequency). This variant has not been reported in the literature in individuals affected with CFB-related conditions. In summary, the available evidence is currently insufficient to determine the role of this variant in disease. Therefore, it has been classified as a Variant of Uncertain Significance.